The following is an entry in ClinVar:

ClinVar aggregate classification (germline): Uncertain significance (1 of 4 stars; one submission).

Conditions:
Breast-ovarian cancer, familial, susceptibility to, 4. Identifiers: Orphanet 145, MedGen C3280345, MONDO:0013669, OMIM 614291.

Submission:

Labcorp Genetics (formerly Invitae), Labcorp
Classification: Uncertain significance for Breast-ovarian cancer, familial, susceptibility to, 4. Last evaluated: 2020-11-24. Review status: criteria provided, single submitter. Criteria: Invitae Variant Classification Sherloc (09022015). Collection method: clinical testing. Allele origin: germline.
Comment: This sequence change replaces serine with phenylalanine at codon 137 of the RAD51D protein (p.Ser137Phe). The serine residue is weakly conserved and there is a large physicochemical difference between serine and phenylalanine. This variant is not present in population databases (ExAC no frequency). This variant has not been reported in the literature in individuals with RAD51D-related conditions. Algorithms developed to predict the effect of missense changes on protein structure and function (SIFT, PolyPhen-2, Align-GVGD) all suggest that this variant is likely to be disruptive, but these predictions have not been confirmed by published functional studies and their clinical significance is uncertain. In summary, the available evidence is currently insufficient to determine the role of this variant in disease. Therefore, it has been classified as a Variant of Uncertain Significance.

NM_002878.4(RAD51D):c.410C>T (p.Ser137Phe)

Genes: RAD51L3-RFFL (RAD51L3-RFFL readthrough; minus strand), RAD51D (RAD51 paralog D; minus strand). Cytogenetic location: 17q12.
Variant type: single nucleotide variant.
Coding change: c.410C>T on transcript NM_002878.4 (MANE Select); coding-DNA position 410, C replaced by T.
Protein change: p.Ser137Phe; replaces serine 137 with phenylalanine.
Molecular consequence: missense variant. On other transcripts: non-coding transcript variant (1), intron variant (1).
Genome position (GRCh38, 1-based): chr17:35,107,058, G>A on the plus strand (C>T on the coding strand, the complement: RAD51D is on the minus strand). VCF-style: chr17-35107058-G-A. GRCh37 (hg19) VCF-style: chr17-33434077-G-A.
Other names: c.470C>T, p.Ser157Phe (NM_001142571.2); c.145-577C>T (NM_133629.3); short protein forms S137F, S157F.
Identifiers: ClinVar variation 1493231 (VCV001493231.8), dbSNP rs2142433096, ClinGen allele CA399089277.